The following is an entry in ClinVar:

ClinVar aggregate classification (germline): Uncertain significance. Review status: criteria provided, multiple submitters, no conflicts (2 of 4 stars). 3 submissions from 2 submitters: Uncertain significance (3). Last evaluated 2023-05-20.

Conditions:
ARID1A-related BAFopathy.
Coffin-Siris syndrome 1 (CSS1). Also called: ARID1B-Related Coffin-Siris Syndrome; Mental retardation, autosomal dominant 12. Identifiers: Orphanet 1465, MedGen C3281201, MONDO:0007617, OMIM 135900. Disease mechanism: gain of function.
Intellectual disability, autosomal dominant 14 (CSS2). Also called: COFFIN-SIRIS SYNDROME 2. Identifiers: Orphanet 1465, MedGen C3553247, MONDO:0013819, OMIM 614607.

Submissions (3):

Neuberg Centre For Genomic Medicine, NCGM
Classification: Uncertain significance for Coffin-Siris syndrome 1. Last evaluated: 2023-05-20. Review status: criteria provided, single submitter. Criteria: ACMG Guidelines, 2015. Collection method: clinical testing. Allele origin: germline. Inheritance: Autosomal dominant inheritance. Affected: yes.
Comment: The missense variant c.2630C>T(p.Pro877Leu) in ARID1A gene has not been reported previously as a pathogenic variant nor as a benign variant, to our knowledge. The observed variant is absent in gnomAD exomes database. This variant has been submitted to the ClinVar database as Uncertain Significance. The amino acid change p.Pro877Leu in ARID1A is predicted as conserved by GERP++ and PhyloP across 100 vertebrates. Multiple lines of computational evidence (Polyphen - probably damaging , SIFT - damaging and MutationTaster - disease causing) predict a damaging effect on protein structure and function for this variant. The amino acid Pro at position 877 is changed to a Leu changing protein sequence and it might alter its composition and physicochemical properties. For these reasons, this variant has been classified as Uncertain Significance (VUS).

Baylor Genetics
Classification: Uncertain significance for ARID1A-related BAFopathy. Last evaluated: 2021-06-10. Review status: criteria provided, single submitter. Criteria: ACMG Guidelines, 2015. Collection method: clinical testing. Allele origin: de novo. Affected: yes.

Baylor Genetics
Classification: Uncertain significance for Intellectual disability, autosomal dominant 14. Last evaluated: 2018-03-26. Review status: criteria provided, single submitter. Criteria: ACMG Guidelines, 2015. Collection method: clinical testing. Allele origin: de novo. Affected: yes.
Comment: This variant was determined to be of uncertain significance according to ACMG Guidelines, 2015 [PMID:25741868].

NM_006015.6(ARID1A):c.2630C>T (p.Pro877Leu)

Gene: ARID1A (AT-rich interaction domain 1A; plus strand). Cytogenetic location: 1p36.11.
Variant type: single nucleotide variant.
Coding change: c.2630C>T on transcript NM_006015.6 (MANE Select); coding-DNA position 2630, C replaced by T.
Protein change: p.Pro877Leu; replaces proline 877 with leucine.
Molecular consequence: missense variant.
Genome position (GRCh38, 1-based): chr1:26,763,183, C>T. VCF-style: chr1-26763183-C-T. GRCh37 (hg19) VCF-style: chr1-27089674-C-T.
Other names: c.2630C>T, p.Pro877Leu (NM_139135.4); short protein forms P877L.
Identifiers: ClinVar variation 1031597 (VCV001031597.3), dbSNP rs2081008426, ClinGen allele CA339157353.
Genomic context (GRCh38, chr1:26,763,183, plus strand): 5'-GGATGAGTCACGCCTCCATGGGCAACCGGCCTTATGGCCCTAACATGGCCAATATGCCAC[C>T]TCAGGTTGGGTCAGGGATGTGTCCCCCACCAGGGGGCATGAACCGGAAAACCCAAGAAAC-3'
Protein context (NP_006006.3, residues 867-887): PYGPNMANMP[Pro877Leu]QVGSGMCPPP